The following is an entry in ClinVar:

ClinVar aggregate classification (germline): Uncertain significance (1 of 4 stars; one submission).

gnomAD v4.1: 1 of 1,613,814 alleles (0.000062%); highest among the groups gnomAD compares: Non-Finnish European, 0.000085%; no homozygotes.

Submission:

GeneDx
Classification: Uncertain significance. Last evaluated: 2023-07-18. Review status: criteria provided, single submitter. Criteria: GeneDx Variant Classification Process June 2021. Collection method: clinical testing. Allele origin: germline. Affected: yes.
Comment: Not observed at significant frequency in large population cohorts (gnomAD); In silico analysis supports that this missense variant has a deleterious effect on protein structure/function; Has not been previously published as pathogenic or benign to our knowledge

NM_014991.6(WDFY3):c.1813G>A (p.Asp605Asn)

Gene: WDFY3 (WD repeat and FYVE domain containing 3; minus strand). Cytogenetic location: 4q21.23.
Variant type: single nucleotide variant.
Coding change: c.1813G>A on transcript NM_014991.6 (MANE Select); coding-DNA position 1813, G replaced by A.
Protein change: p.Asp605Asn; replaces aspartic acid 605 with asparagine.
Molecular consequence: missense variant.
Genome position (GRCh38, 1-based): chr4:84,817,466, C>T on the plus strand (G>A on the coding strand, the complement: WDFY3 is on the minus strand). VCF-style: chr4-84817466-C-T. GRCh37 (hg19) VCF-style: chr4-85738619-C-T.
Other names: short protein forms D605N.
Identifiers: ClinVar variation 3361224 (VCV003361224.1).
Genomic context (GRCh38, chr4:84,817,466, plus strand): 5'-TCTTCAACTGCAATTCCGTCGGTGGGGCTGAATGCATTAGCCCCAGGAGAGTGCCCATGT[C>T]ATCGTCCCCATTTGGGGAGAGCACCAGCTGTTGGATAGTCATCAAGGCATGCTGCCGGCA-3'
Protein context (NP_055806.2, residues 595-615): QLVLSPNGDD[Asp605Asn]MGTLLGLMHS